The following is an entry in ClinVar:

ClinVar aggregate classification (germline): Uncertain significance. Review status: criteria provided, multiple submitters, no conflicts (2 of 4 stars). 3 submissions from 3 submitters: Uncertain significance (3). Last evaluated 2025-07-03.

Conditions:
Inborn genetic diseases. Identifiers: MedGen C0950123, MeSH D030342.

gnomAD v4.1: 133 of 1,613,826 alleles (0.0082%); highest among the groups gnomAD compares: Non-Finnish European, 0.01%; no homozygotes.

Submissions (3):

Ambry Genetics
Classification: Uncertain significance for Inborn genetic diseases. Last evaluated: 2025-07-03. Review status: criteria provided, single submitter. Criteria: Ambry Variant Classification Scheme 2023. Collection method: clinical testing. Allele origin: germline.

Labcorp Genetics (formerly Invitae), Labcorp
Classification: Uncertain significance. Last evaluated: 2024-12-20. Review status: criteria provided, single submitter. Criteria: Invitae Variant Classification Sherloc (09022015). Collection method: clinical testing. Allele origin: germline.
Comment: This sequence change replaces arginine, which is basic and polar, with leucine, which is neutral and non-polar, at codon 1248 of the TRPM1 protein (p.Arg1248Leu). This variant is present in population databases (rs199890987, gnomAD 0.008%). This variant has not been reported in the literature in individuals affected with TRPM1-related conditions. ClinVar contains an entry for this variant (Variation ID: 1404834). Invitae Evidence Modeling of protein sequence and biophysical properties (such as structural, functional, and spatial information, amino acid conservation, physicochemical variation, residue mobility, and thermodynamic stability) indicates that this missense variant is not expected to disrupt TRPM1 protein function with a negative predictive value of 95%. In summary, the available evidence is currently insufficient to determine the role of this variant in disease. Therefore, it has been classified as a Variant of Uncertain Significance.

Blueprint Genetics
Classification: Uncertain significance. Last evaluated: 2023-08-01. Review status: criteria provided, single submitter. Criteria: ACMG Guidelines, 2015. Collection method: clinical testing. Allele origin: germline.

NM_001252024.2(TRPM1):c.3809G>T (p.Arg1270Leu)

Gene: TRPM1 (transient receptor potential cation channel subfamily M member 1; minus strand). Cytogenetic location: 15q13.3.
Variant type: single nucleotide variant.
Coding change: c.3809G>T on transcript NM_001252024.2 (MANE Select); coding-DNA position 3809, G replaced by T.
Protein change: p.Arg1270Leu; replaces arginine 1270 with leucine.
Molecular consequence: missense variant.
Genome position (GRCh38, 1-based): chr15:31,002,891, C>A on the plus strand (G>T on the coding strand, the complement: TRPM1 is on the minus strand). VCF-style: chr15-31002891-C-A. GRCh37 (hg19) VCF-style: chr15-31295094-C-A.
Other names: c.3860G>T, p.Arg1287Leu (NM_001252020.2); c.3743G>T, p.Arg1248Leu (NM_002420.6); c.3743G>T (NM_002420.4); short protein forms R1248L, R1270L, R1287L.
Identifiers: ClinVar variation 1404834 (VCV001404834.7), dbSNP rs199890987, ClinGen allele CA7451755.